The following is an entry in ClinVar:

ClinVar aggregate classification (germline): Benign. Review status: criteria provided, multiple submitters, no conflicts (2 of 4 stars). 15 submissions from 11 submitters: Benign (14). 1 of the submissions does not count toward it. Last evaluated 2026-02-04.

Conditions:
Autosomal recessive limb-girdle muscular dystrophy type 2Q (LGMDR17). Also called: MUSCULAR DYSTROPHY, LIMB-GIRDLE, AUTOSOMAL RECESSIVE 17. Identifiers: Orphanet 254361, MedGen C3150989, MONDO:0013390, OMIM 613723.
Epidermolysis bullosa simplex 5B, with muscular dystrophy (EBS5B). Also called: EPIDERMOLYSIS BULLOSA SIMPLEX AND LIMB-GIRDLE MUSCULAR DYSTROPHY; Epidermolysis bullosa simplex with muscular dystrophy. Identifiers: Orphanet 257, MedGen C2931072, MONDO:0009181, OMIM 226670.
Epidermolysis bullosa simplex with nail dystrophy (EBS5D). Identifiers: MedGen C4225309, MONDO:0014661, OMIM 616487.
Epidermolysis bullosa simplex, Ogna type (EBS5A). Also called: EPIDERMOLYSIS BULLOSA SIMPLEX 5A, OGNA TYPE; Pidermolysis bullosa simplex 5A, Ogna type. Identifiers: Orphanet 79401, MedGen C0432317, MONDO:0007555, OMIM 131950.
Epidermolysis bullosa simplex 5C, with pyloric atresia (EBS5C). Also called: PLEC-Related Epidermolysis Bullosa with Pyloric Atresia; Epidermolysis bullosa simplex with pyloric atresia; PLEC1-Related Epidermolysis Bullosa with Pyloric Atresia. Identifiers: Orphanet 158684, MedGen C2677349, MONDO:0012807, OMIM 612138.

Allele frequency attached by ClinVar (database versions not stated): 1000 Genomes Project 30x 0.22142; 1000 Genomes Project 0.22484; ESP Exome Variant Server 0.27147; TOPMed 0.27354; gnomAD 0.29155 and 0.29352; ExAC 0.32950.
gnomAD v4.1: 603,262 of 1,594,896 alleles (38%); highest among the groups gnomAD compares: Non-Finnish European, 41%; 120,534 homozygotes.

Submissions (15):

Labcorp Genetics (formerly Invitae), Labcorp
Classification: Benign for Autosomal recessive limb-girdle muscular dystrophy type 2Q; Epidermolysis bullosa simplex, Ogna type; Epidermolysis bullosa simplex with nail dystrophy; Epidermolysis bullosa simplex 5C, with pyloric atresia; Epidermolysis bullosa simplex 5B, with muscular dystrophy. Last evaluated: 2026-02-04. Review status: criteria provided, single submitter. Criteria: Invitae Variant Classification Sherloc (09022015). Collection method: clinical testing. Allele origin: germline.

Blueprint Genetics
Classification: Benign. Last evaluated: 2024-11-27. Review status: criteria provided, single submitter. Criteria: ACMG Guidelines, 2015. Collection method: clinical testing. Allele origin: germline.

Genome-Nilou Lab
Classification: Benign for Epidermolysis bullosa simplex with nail dystrophy. Last evaluated: 2021-10-25. Review status: criteria provided, single submitter. Criteria: ACMG Guidelines, 2015. Collection method: clinical testing. Allele origin: germline. Affected: no.

Genome-Nilou Lab
Classification: Benign for Epidermolysis bullosa simplex, Ogna type. Last evaluated: 2021-10-25. Review status: criteria provided, single submitter. Criteria: ACMG Guidelines, 2015. Collection method: clinical testing. Allele origin: germline. Affected: no.

Genome-Nilou Lab
Classification: Benign for Epidermolysis bullosa simplex 5B, with muscular dystrophy. Last evaluated: 2021-10-25. Review status: criteria provided, single submitter. Criteria: ACMG Guidelines, 2015. Collection method: clinical testing. Allele origin: germline. Affected: no.

Genome-Nilou Lab
Classification: Benign for Epidermolysis bullosa simplex 5C, with pyloric atresia. Last evaluated: 2021-10-25. Review status: criteria provided, single submitter. Criteria: ACMG Guidelines, 2015. Collection method: clinical testing. Allele origin: germline. Affected: no.

Genome-Nilou Lab
Classification: Benign for Autosomal recessive limb-girdle muscular dystrophy type 2Q. Last evaluated: 2021-10-25. Review status: criteria provided, single submitter. Criteria: ACMG Guidelines, 2015. Collection method: clinical testing. Allele origin: germline. Affected: no.

Athena Diagnostics
Classification: Benign. Last evaluated: 2018-11-02. Review status: criteria provided, single submitter. Criteria: Athena Diagnostics Criteria. Collection method: clinical testing. Allele origin: germline.

Mayo Clinic Laboratories, Mayo Clinic
Classification: Benign. Last evaluated: 2017-07-24. Review status: criteria provided, single submitter. Criteria: ACMG Guidelines, 2015. Collection method: clinical testing. Allele origin: germline. Observed: 774 variant alleles.

GeneDx
Classification: Benign. Last evaluated: 2015-03-03. Review status: criteria provided, single submitter. Criteria: GeneDx Variant Classification Process June 2021. Collection method: clinical testing. Allele origin: germline. Affected: yes.

Laboratory for Molecular Medicine, Mass General Brigham Personalized Medicine
Classification: Benign. Last evaluated: 2015-01-13. Review status: criteria provided, single submitter. Criteria: LMM Criteria. Collection method: clinical testing. Allele origin: germline. Observed: 9 variant alleles.
Comment: p.Ala1629Ala in exon 31 of PLEC: This variant is not expected to have clinical s ignificance because it does not alter an amino acid residue and is not located w ithin the splice consensus sequence. It has been identified in 36.5% (2879/7884) of European American chromosomes from a broad population by the NHLBI Exome Seq uencing Project (dbSNP rs55646585).

Eurofins Ntd Llc (ga)
Classification: Benign. Last evaluated: 2013-04-18. Review status: criteria provided, single submitter. Criteria: EGL Classification Definitions 2015. Collection method: clinical testing. Allele origin: germline. Observed: 20 variant alleles, 17 heterozygotes, 3 homozygotes.

Breakthrough Genomics
Classification: Benign. Review status: criteria provided, single submitter. Criteria: ACMG Guidelines, 2015. Collection method: not provided. Allele origin: germline. Inheritance: Autosomal recessive inheritance. Affected: yes.

PreventionGenetics, part of Exact Sciences
Classification: Benign. Review status: criteria provided, single submitter. Criteria: ACMG Guidelines, 2015. Collection method: clinical testing. Allele origin: germline.

Genetic Services Laboratory, University of Chicago
Classification: Likely benign for AllHighlyPenetrant. Review status: no assertion criteria provided. Collection method: clinical testing. Allele origin: germline. Inheritance: Autosomal recessive inheritance. Not counted in ClinVar's aggregate classification.
Comment: Likely benign based on allele frequency in 1000 Genomes Project or ESP global frequency and its presence in a patient with a rare or unrelated disease phenotype. NOT Sanger confirmed.

NM_201384.3(PLEC):c.4476G>A (p.Ala1492=)

Gene: PLEC (plectin; minus strand). Cytogenetic location: 8q24.3.
Variant type: single nucleotide variant.
Coding change: c.4476G>A on transcript NM_201384.3 (MANE Select); coding-DNA position 4476, G replaced by A.
Protein change: p.Ala1492=; no amino-acid change (alanine 1492 retained).
Molecular consequence: synonymous variant.
Genome position (GRCh38, 1-based): chr8:143,925,453, C>T on the plus strand (G>A on the coding strand, the complement: PLEC is on the minus strand). VCF-style: chr8-143925453-C-T. GRCh37 (hg19) VCF-style: chr8-144999621-C-T.
Other names: p.Ala1478=; c.4557G>A, p.Ala1519= (NM_000445.5); c.4434G>A, p.Ala1478= (NM_201378.4); c.4410G>A, p.Ala1470= (NM_201379.3); c.4887G>A, p.Ala1629= (NM_201380.4); c.4380G>A, p.Ala1460= (NM_201381.3); c.4476G>A, p.Ala1492= (NM_201382.4); c.4488G>A, p.Ala1496= (NM_201383.3).
Identifiers: ClinVar variation 93052 (VCV000093052.28), dbSNP rs55646585, ClinGen allele CA146383.